The following is an entry in ClinVar:

NM_000038.6(APC):c.7947T>C (p.Pro2649=)

Gene: APC (APC regulator of Wnt signaling pathway; plus strand). Cytogenetic location: 5q22.2.
Variant type: single nucleotide variant.
Coding change: c.7947T>C on transcript NM_000038.6 (MANE Select); coding-DNA position 7947, T replaced by C.
Protein change: p.Pro2649=; no amino-acid change (proline 2649 retained).
Molecular consequence: synonymous variant. On other transcripts: non-coding transcript variant (2).
Genome position (GRCh38, 1-based): chr5:112,843,541, T>C. VCF-style: chr5-112843541-T-C. GRCh37 (hg19) VCF-style: chr5-112179238-T-C.
Other names: c.7947T>C, p.Pro2649= (NM_001127510.3, NM_001354895.2, NM_001407450.1); c.7893T>C, p.Pro2631= (NM_001127511.3); c.8001T>C, p.Pro2667= (NM_001354896.2, NM_001407447.1, NM_001407448.1 and 1 more transcripts); c.7977T>C, p.Pro2659= (NM_001354897.2); c.7872T>C, p.Pro2624= (NM_001354898.2); c.7863T>C, p.Pro2621= (NM_001354899.2); c.7824T>C, p.Pro2608= (NM_001354900.2); c.7770T>C, p.Pro2590= (NM_001354901.2, NM_001407453.1); and 11 more.
Identifiers: ClinVar variation 3254115 (VCV003254115.1), dbSNP rs2149996772.
Genomic context (GRCh38, chr5:112,843,541, plus strand): 5'-CGTTTCCTCAGGTGCTACAAATGGTGCTGAATCAAAGACTCTAATTTATCAAATGGCACC[T>C]GCTGTTTCTAAAACAGAGGATGTTTGGGTGAGAATTGAGGACTGTCCCATTAACAATCCT-3'
Protein context (NP_000029.2, residues 2639-2659): ESKTLIYQMA[Pro2649=]AVSKTEDVWV

ClinVar aggregate classification (germline): Benign (1 of 4 stars; one submission).

Conditions:
Familial adenomatous polyposis 1 (FAP1). Also called: FAMILIAL ADENOMATOUS POLYPOSIS 1, ATTENUATED; POLYPOSIS, ADENOMATOUS INTESTINAL. Identifiers: MedGen C2713442, MONDO:0021056, OMIM 175100. Disease mechanism: loss of function.

Submission:

Myriad Genetics, Inc.
Classification: Benign for Familial adenomatous polyposis 1. Last evaluated: 2024-04-11. Review status: criteria provided, single submitter. Criteria: Myriad Autosomal Dominant, Autosomal Recessive and X-Linked Classification Criteria (2023). Collection method: clinical testing. Allele origin: unknown.
Comment: This variant is considered benign. This variant is a silent/synonymous amino acid change and it is not expected to impact splicing.